The following is an entry in ClinVar:

ClinVar aggregate classification (germline): Uncertain significance (1 of 4 stars; one submission).

Submission:

Labcorp Genetics (formerly Invitae), Labcorp
Classification: Uncertain significance. Last evaluated: 2022-09-13. Review status: criteria provided, single submitter. Criteria: Invitae Variant Classification Sherloc (09022015). Collection method: clinical testing. Allele origin: germline.
Comment: This sequence change replaces histidine, which is basic and polar, with arginine, which is basic and polar, at codon 341 of the PDE6C protein (p.His341Arg). This variant is not present in population databases (gnomAD no frequency). This variant has not been reported in the literature in individuals affected with PDE6C-related conditions. ClinVar contains an entry for this variant (Variation ID: 1524785). Advanced modeling of protein sequence and biophysical properties (such as structural, functional, and spatial information, amino acid conservation, physicochemical variation, residue mobility, and thermodynamic stability) performed at Invitae indicates that this missense variant is not expected to disrupt PDE6C protein function. In summary, the available evidence is currently insufficient to determine the role of this variant in disease. Therefore, it has been classified as a Variant of Uncertain Significance.

NM_006204.4(PDE6C):c.1022A>G (p.His341Arg)

Gene: PDE6C (phosphodiesterase 6C; plus strand). Cytogenetic location: 10q23.33.
Variant type: single nucleotide variant.
Coding change: c.1022A>G on transcript NM_006204.4 (MANE Select); coding-DNA position 1022, A replaced by G.
Protein change: p.His341Arg; replaces histidine 341 with arginine.
Molecular consequence: missense variant.
Genome position (GRCh38, 1-based): chr10:93,626,822, A>G. VCF-style: chr10-93626822-A-G. GRCh37 (hg19) VCF-style: chr10-95386579-A-G.
Other names: short protein forms H341R.
Identifiers: ClinVar variation 1524785 (VCV001524785.8), dbSNP rs2134599405, ClinGen allele CA377632033.
Genomic context (GRCh38, chr10:93,626,822, plus strand): 5'-ATTTCTCTATATTGCAATGATTTTTTTTCTTCTCTTCCCCAAGGACGCCTCCTGCAGACC[A>G]CTGGACACTCATTAGTGGGTTGCCAACATATGTTGCTGAAAATGGATTTGTAAGTTATTG-3'
Protein context (NP_006195.3, residues 331-351): IKVIPTPPAD[His341Arg]WTLISGLPTY